The following is an entry in ClinVar:

NM_000548.5(TSC2):c.1577G>A (p.Ser526Asn)

Gene: TSC2 (TSC complex subunit 2; plus strand). Cytogenetic location: 16p13.3.
Variant type: single nucleotide variant.
Coding change: c.1577G>A on transcript NM_000548.5 (MANE Select); coding-DNA position 1577, G replaced by A.
Protein change: p.Ser526Asn; replaces serine 526 with asparagine.
Molecular consequence: missense variant.
Genome position (GRCh38, 1-based): chr16:2,064,405, G>A. VCF-style: chr16-2064405-G-A. GRCh37 (hg19) VCF-style: chr16-2114406-G-A.
Other names: c.1577G>A, p.Ser526Asn (NM_001077183.3, NM_001114382.3, NM_001363528.2 and 3 more transcripts); c.1466G>A, p.Ser489Asn (NM_001318827.2); c.1430G>A, p.Ser477Asn (NM_001318829.2); c.977G>A, p.Ser326Asn (NM_001318831.2); c.1610G>A, p.Ser537Asn (NM_001318832.2); short protein forms S526N, S477N, S537N, S326N, S489N.
Identifiers: ClinVar variation 405944 (VCV000405944.28), dbSNP rs376573446, ClinGen allele CA031083.

ClinVar aggregate classification (germline): Conflicting classifications of pathogenicity. Review status: criteria provided, conflicting classifications (1 of 4 stars). 10 submissions from 10 submitters: Uncertain significance (4); Benign (1); Likely benign (5). Last evaluated 2025-12-13.

Conditions:
Hereditary cancer-predisposing syndrome. Also called: Hereditary neoplastic syndrome; Neoplastic Syndromes, Hereditary; Hereditary Cancer Syndrome; Tumor predisposition. Identifiers: Orphanet 140162, MedGen C0027672, MeSH D009386, MONDO:0015356.
Tuberous sclerosis syndrome (TSC). Also called: Tuberous Sclerosis Complex; Tuberous sclerosis. Identifiers: Orphanet 805, MedGen C0041341, MONDO:0001734.
Tuberous sclerosis 2 (TSC2). Identifiers: Orphanet 805, MedGen C1860707, MONDO:0013199, OMIM 613254.

Allele frequency attached by ClinVar (database versions not stated): TOPMed 0.00003; ESP Exome Variant Server 0.00008.
gnomAD v4.1: 57 of 1,613,588 alleles (0.0035%); highest among the groups gnomAD compares: Non-Finnish European, 0.0045%; no homozygotes.

Submissions (10):

Labcorp Genetics (formerly Invitae), Labcorp
Classification: Benign for Tuberous sclerosis 2. Last evaluated: 2025-12-13. Review status: criteria provided, single submitter. Criteria: Invitae Variant Classification Sherloc (09022015). Collection method: clinical testing. Allele origin: germline.

Quest Diagnostics Nichols Institute San Juan Capistrano
Classification: Uncertain significance. Last evaluated: 2025-07-30. Review status: criteria provided, single submitter. Criteria: Quest Diagnostics criteria. Collection method: clinical testing. Allele origin: unknown.

Myriad Genetics, Inc.
Classification: Likely benign for Tuberous sclerosis 2. Last evaluated: 2025-05-14. Review status: criteria provided, single submitter. Criteria: Myriad Autosomal Dominant, Autosomal Recessive and X-Linked Classification Criteria (2023). Collection method: clinical testing. Allele origin: unknown.
Comment: This variant is considered likely benign. This variant has been observed at a population frequency that is significantly greater than expected given the associated disease prevalence and penetrance.

Blueprint Genetics
Classification: Uncertain significance. Last evaluated: 2024-06-17. Review status: criteria provided, single submitter. Criteria: ACMG Guidelines, 2015. Collection method: clinical testing. Allele origin: germline.

Color Diagnostics, LLC DBA Color Health
Classification: Likely benign for Tuberous sclerosis syndrome. Last evaluated: 2022-09-20. Review status: criteria provided, single submitter. Criteria: ACMG Guidelines, 2015. Collection method: clinical testing. Allele origin: germline.

Ambry Genetics
Classification: Likely benign for Hereditary cancer-predisposing syndrome. Last evaluated: 2021-11-30. Review status: criteria provided, single submitter. Criteria: Ambry Variant Classification Scheme 2023. Collection method: clinical testing. Allele origin: germline.

Sema4
Classification: Uncertain significance for Hereditary cancer-predisposing syndrome. Last evaluated: 2021-11-18. Review status: criteria provided, single submitter. Criteria: Sema4 Curation Guidelines. Collection method: curation. Allele origin: germline.
Comment: To the best of our knowledge, the TSC2 c.1577G>A (p.S526N) variant has not been reported in individuals with TSC2-related disease. It was observed in 5/113516 chromosomes of the Non-Finnish European subpopulation in the large and broad cohorts of the Genome Aggregation Database (PMID: 32461654). The variant has been reported in ClinVar (Variation ID 405944). Functional studies have not been performed, and in silico predictions of the variant's effect on protein function are inconclusive. The evidence is insufficient to meet ACMG/AMP criteria for classifying the variant as benign or pathogenic. Thus, the clinical significance of this variant is currently uncertain.

Genome-Nilou Lab
Classification: Likely benign for Tuberous sclerosis 2. Last evaluated: 2021-11-07. Review status: criteria provided, single submitter. Criteria: ACMG Guidelines, 2015. Collection method: clinical testing. Allele origin: germline. Affected: no.

Institute for Clinical Genetics, University Hospital TU Dresden, University Hospital TU Dresden
Classification: Uncertain significance. Last evaluated: 2021-11-03. Review status: criteria provided, single submitter. Criteria: ACMG Guidelines, 2015. Collection method: clinical testing. Allele origin: germline.

GeneDx
Classification: Likely benign. Last evaluated: 2019-06-12. Review status: criteria provided, single submitter. Criteria: GeneDx Variant Classification Process June 2021. Collection method: clinical testing. Allele origin: germline. Affected: yes.
Comment: In silico analysis, which includes protein predictors and evolutionary conservation, supports that this variant does not alter protein structure/function; This variant is associated with the following publications: (PMID: 28717660)

Literature cited by the submitters: PubMed 29641532 (cited by Ambry Genetics).